The following is an entry in ClinVar:

NM_012463.4(ATP6V0A2):c.2466-4_2466-3dup

Gene: ATP6V0A2 (ATPase H+ transporting V0 subunit a2; plus strand). Cytogenetic location: 12q24.31.
Variant type: Duplication.
Coding change: c.2466-4_2466-3dup on transcript NM_012463.4 (MANE Select); 4 bases into the intron before coding-DNA position 2466 through 3 bases into the intron before coding-DNA position 2466, 2 bases duplicated (TT; older notation c.2466-4_2466-3dupTT).
Molecular consequence: intron variant.
Genome position (GRCh38, 1-based): chr12:123,757,923-123,757,924, TT duplicated; duplicating any 2 consecutive bases within chr12:123,757,912-123,757,924 gives the same sequence; the c. name uses the placement nearest the transcript's 3' end. VCF-style (leftmost placement, unchanged base first): chr12-123757911-C-CTT. GRCh37 (hg19) VCF-style: chr12-124242458-C-CTT.
Identifiers: ClinVar variation 3031167 (VCV003031167.2), dbSNP rs370511382, ClinGen allele CA6862267.

ClinVar aggregate classification (germline): Likely benign (0 of 4 stars; one submission).

Conditions:
ATP6V0A2-related disorder. Also called: ATP6V0A2-related condition.

Submission:

PreventionGenetics, part of Exact Sciences
Classification: Likely benign for ATP6V0A2-related condition. Last evaluated: 2021-04-01. Review status: no assertion criteria provided. Collection method: clinical testing. Allele origin: germline.
Comment: This variant is classified as likely benign based on ACMG/AMP sequence variant interpretation guidelines (Richards et al. 2015 PMID: 25741868, with internal and published modifications).